The following is an entry in ClinVar:

NM_004655.4(AXIN2):c.1089C>A (p.Thr363=)

Gene: AXIN2 (axin 2; minus strand). Cytogenetic location: 17q24.1.
Variant type: single nucleotide variant.
Coding change: c.1089C>A on transcript NM_004655.4 (MANE Select); coding-DNA position 1089, C replaced by A.
Protein change: p.Thr363=; no amino-acid change (threonine 363 retained).
Molecular consequence: synonymous variant.
Genome position (GRCh38, 1-based): chr17:65,538,314, G>T on the plus strand (C>A on the coding strand, the complement: AXIN2 is on the minus strand). VCF-style: chr17-65538314-G-T. GRCh37 (hg19) VCF-style: chr17-63534432-G-T.
Other names: c.1089C>A, p.Thr363= (NM_001363813.1); c.1089C>A (LRG_296t1).
Identifiers: ClinVar variation 239975 (VCV000239975.19), dbSNP rs748698260, ClinGen allele CA10583654.

ClinVar aggregate classification (germline): Benign/Likely benign. Review status: criteria provided, multiple submitters, no conflicts (2 of 4 stars). 6 submissions from 6 submitters: Benign (1); Likely benign (5). Last evaluated 2025-11-20.

Conditions:
Hereditary cancer-predisposing syndrome. Also called: Neoplastic Syndromes, Hereditary; Hereditary neoplastic syndrome; Tumor predisposition; Hereditary Cancer Syndrome. Identifiers: Orphanet 140162, MedGen C0027672, MeSH D009386, MONDO:0015356.
Oligodontia-cancer predisposition syndrome. Also called: TOOTH AGENESIS-COLORECTAL CANCER SYNDROME. Identifiers: Orphanet 300576, MedGen C1837750, MONDO:0012075, OMIM 608615. Disease mechanism: loss of function.

Allele frequency attached by ClinVar (database versions not stated): gnomAD exomes below 0.00001; TOPMed 0.00001; gnomAD 0.00003.
gnomAD v4.1: 2 of 1,614,214 alleles (0.00012%); highest among the groups gnomAD compares: Non-Finnish European, 0.00017%; no homozygotes.

Submissions (6):

Labcorp Genetics (formerly Invitae), Labcorp
Classification: Likely benign for Oligodontia-cancer predisposition syndrome. Last evaluated: 2025-11-20. Review status: criteria provided, single submitter. Criteria: Invitae Variant Classification Sherloc (09022015). Collection method: clinical testing. Allele origin: germline.

Myriad Genetics, Inc.
Classification: Benign for Oligodontia-cancer predisposition syndrome. Last evaluated: 2024-07-01. Review status: criteria provided, single submitter. Criteria: Myriad Autosomal Dominant, Autosomal Recessive and X-Linked Classification Criteria (2023). Collection method: clinical testing. Allele origin: unknown.
Comment: This variant is considered benign. This variant is a silent/synonymous amino acid change and it is not expected to impact splicing.

Women's Health and Genetics/Laboratory Corporation of America, LabCorp
Classification: Likely benign. Last evaluated: 2024-04-15. Review status: criteria provided, single submitter. Criteria: LabCorp Variant Classification Summary - May 2015. Collection method: clinical testing. Allele origin: germline.

Quest Diagnostics Nichols Institute San Juan Capistrano
Classification: Likely benign. Last evaluated: 2023-04-17. Review status: criteria provided, single submitter. Criteria: Quest Diagnostics criteria. Collection method: clinical testing. Allele origin: unknown.

Ambry Genetics
Classification: Likely benign for Hereditary cancer-predisposing syndrome. Last evaluated: 2019-02-11. Review status: criteria provided, single submitter. Criteria: Ambry Variant Classification Scheme 2023. Collection method: clinical testing. Allele origin: germline.

GeneDx
Classification: Likely benign. Last evaluated: 2017-10-17. Review status: criteria provided, single submitter. Criteria: GeneDx Variant Classification (06012015). Collection method: clinical testing. Allele origin: germline. Affected: yes.
Comment: This variant is considered likely benign or benign based on one or more of the following criteria: it is a conservative change, it occurs at a poorly conserved position in the protein, it is predicted to be benign by multiple in silico algorithms, and/or has population frequency not consistent with disease.